The following is an entry in ClinVar:

ClinVar aggregate classification (germline): Benign/Likely benign. Review status: criteria provided, multiple submitters, no conflicts (2 of 4 stars). 7 submissions from 7 submitters: Benign (4); Likely benign (2). 1 of the submissions does not count toward it. Last evaluated 2026-01-27.

Conditions:
Bethlem myopathy 1A. Also called: MYOPATHY, BENIGN CONGENITAL, WITH CONTRACTURES; Bethlem myopathy 1; Bethlem Muscular Dystrophy. Identifiers: Orphanet 610, MedGen CN029274, MONDO:0024530, OMIM 158810.
Collagen 6-related myopathy. Identifiers: MedGen CN117976, MONDO:0100225.

Allele frequency attached by ClinVar (database versions not stated): 1000 Genomes Project 30x 0.00765; gnomAD 0.01019 and 0.00951; 1000 Genomes Project 0.00779; ESP Exome Variant Server 0.00908; TOPMed 0.01081.
gnomAD v4.1: 3,159 of 1,606,758 alleles (0.2%); highest among the groups gnomAD compares: African/African-American, 3.2%; 38 homozygotes.

Submissions (7):

Labcorp Genetics (formerly Invitae), Labcorp
Classification: Benign for Bethlem myopathy 1A. Last evaluated: 2026-01-27. Review status: criteria provided, single submitter. Criteria: Invitae Variant Classification Sherloc (09022015). Collection method: clinical testing. Allele origin: germline.

Illumina Laboratory Services, Illumina
Classification: Benign for Collagen VI-related myopathy. Last evaluated: 2018-01-12. Review status: criteria provided, single submitter. Criteria: ICSL Variant Classification Criteria 13 December 2019. Collection method: clinical testing. Allele origin: germline.
Comment: This variant was observed in the ICSL laboratory as part of a predisposition screen in an ostensibly healthy population. It had not been previously curated by ICSL or reported in the Human Gene Mutation Database (HGMD: prior to June 1st, 2018), and was therefore a candidate for classification through an automated scoring system. Utilizing variant allele frequency, disease prevalence and penetrance estimates, and inheritance mode, an automated score was calculated to assess if this variant is too frequent to cause the disease. Based on the score and internal cut-off values, a variant classified as benign is not then subjected to further curation. The score for this variant resulted in a classification of benign for this disease.

Center for Pediatric Genomic Medicine, Children's Mercy Hospital and Clinics
Classification: Likely benign. Last evaluated: 2017-05-03. Review status: criteria provided, single submitter. Criteria: ACMG Guidelines, 2015. Collection method: clinical testing. Allele origin: germline.

GeneDx
Classification: Benign. Last evaluated: 2016-05-18. Review status: criteria provided, single submitter. Criteria: GeneDx Variant Classification (06012015). Collection method: clinical testing. Allele origin: germline. Affected: yes.
Comment: This variant is considered likely benign or benign based on one or more of the following criteria: it is a conservative change, it occurs at a poorly conserved position in the protein, it is predicted to be benign by multiple in silico algorithms, and/or has population frequency not consistent with disease.

Eurofins Ntd Llc (ga)
Classification: Benign. Last evaluated: 2012-11-16. Review status: criteria provided, single submitter. Criteria: EGL Classification Definitions 2015. Collection method: clinical testing. Allele origin: germline. Observed: 1 variant allele, 1 heterozygote.

Breakthrough Genomics
Classification: Likely benign. Review status: criteria provided, single submitter. Criteria: ACMG Guidelines, 2015. Collection method: not provided. Allele origin: germline. Inheritance: Autosomal recessive inheritance. Affected: yes.

Genetic Services Laboratory, University of Chicago
Classification: Likely benign for AllHighlyPenetrant. Review status: no assertion criteria provided. Collection method: clinical testing. Allele origin: germline. Not counted in ClinVar's aggregate classification.
Comment: Likely benign based on allele frequency in 1000 Genomes Project or ESP global frequency and its presence in a patient with a rare or unrelated disease phenotype. NOT Sanger confirmed.

NM_001849.4(COL6A2):c.2983G>A (p.Ala995Thr)

Gene: COL6A2 (collagen type VI alpha 2 chain; plus strand). Cytogenetic location: 21q22.3.
Variant type: single nucleotide variant.
Coding change: c.2983G>A on transcript NM_001849.4 (MANE Select); coding-DNA position 2983, G replaced by A.
Protein change: p.Ala995Thr; replaces alanine 995 with threonine.
Molecular consequence: missense variant.
Genome position (GRCh38, 1-based): chr21:46,132,475, G>A. VCF-style: chr21-46132475-G-A. GRCh37 (hg19) VCF-style: chr21-47552389-G-A.
Identifiers: ClinVar variation 93951 (VCV000093951.59), dbSNP rs35139588, ClinGen allele CA147496.